The following is an entry in ClinVar:

NM_001378204.1(CCDC18):c.459A>G (p.Ala153=)

Gene: CCDC18 (coiled-coil domain containing 18; plus strand). Cytogenetic location: 1p22.1.
Variant type: single nucleotide variant.
Coding change: c.459A>G on transcript NM_001378204.1 (MANE Select); coding-DNA position 459, A replaced by G.
Protein change: p.Ala153=; no amino-acid change (alanine 153 retained).
Molecular consequence: synonymous variant.
Genome position (GRCh38, 1-based): chr1:93,186,500, A>G. VCF-style: chr1-93186500-A-G. GRCh37 (hg19) VCF-style: chr1-93652057-A-G.
Other names: c.459A>G, p.Ala153= (NM_001306076.1, NM_206886.4).
Identifiers: ClinVar variation 3034365 (VCV003034365.2), dbSNP rs199719529, ClinGen allele CA953765.

ClinVar aggregate classification (germline): Likely benign (0 of 4 stars; one submission).

Conditions:
CCDC18-related disorder. Also called: CCDC18-related condition.

Allele frequency attached by ClinVar (database versions not stated): 1000 Genomes Project 30x 0.00078; 1000 Genomes Project 0.00100; ExAC 0.00227; ESP Exome Variant Server 0.00281; gnomAD 0.00285; TOPMed 0.00287; gnomAD exomes 0.00382.
gnomAD v4.1: 5,936 of 1,591,164 alleles (0.37%); highest among the groups gnomAD compares: Non-Finnish European, 0.44%; 18 homozygotes.

Submission:

PreventionGenetics, part of Exact Sciences
Classification: Likely benign for CCDC18-related condition. Last evaluated: 2019-10-28. Review status: no assertion criteria provided. Collection method: clinical testing. Allele origin: germline.
Comment: This variant is classified as likely benign based on ACMG/AMP sequence variant interpretation guidelines (Richards et al. 2015 PMID: 25741868, with internal and published modifications).